The following is an entry in ClinVar:

NM_006766.5(KAT6A):c.1536dup (p.Glu513Ter)

Gene: KAT6A (lysine acetyltransferase 6A; minus strand). Cytogenetic location: 8p11.21.
Variant type: Duplication.
Coding change: c.1536dup on transcript NM_006766.5 (MANE Select); coding-DNA position 1536, one base duplicated (T; older notation c.1536dupT).
Protein change: p.Glu513Ter; replaces glutamic acid 513 with a stop codon.
Molecular consequence: nonsense.
Genome position (GRCh38, 1-based): chr8:41,955,358, A duplicated on the plus strand (T on the coding strand, the reverse complement: KAT6A is on the minus strand); the first of 2 consecutive A bases (chr8:41,955,358-41,955,359); duplicating either gives the same sequence. VCF-style (leftmost placement, unchanged base first): chr8-41955357-C-CA. GRCh37 (hg19) VCF-style: chr8-41812875-C-CA.
Other names: c.1536dup, p.Glu513Ter (NM_001305878.2); short protein forms E513*.
Identifiers: ClinVar variation 280641 (VCV000280641.2), dbSNP rs886041809, ClinGen allele CA10603094.

ClinVar aggregate classification (germline): Pathogenic (1 of 4 stars; one submission).

Submission:

GeneDx
Classification: Pathogenic. Last evaluated: 2016-05-27. Review status: criteria provided, single submitter. Criteria: GeneDx Variant Classification (06012015). Collection method: clinical testing. Allele origin: germline. Affected: yes.
Comment: The c.1536dupT pathogenic variant in the KAT6A gene has not been reported previously as a pathogenic variant nor as a benign variant, to our knowledge. The c.1536dupT variant changes codon Glutamic acid 513 to a premature Stop codon, denoted p.Glu513Ter. This variant is predicted to cause loss of normal protein function either through protein truncation or nonsense-mediated mRNA decay. The c.1536dupT variant was not observed in approximately 6,500 individuals of European and African American ancestry in the NHLBI Exome Sequencing Project, indicating it is not a common benign variant in these populations. We interpret c.1536dupT as a pathogenic variant.